The following is an entry in ClinVar:

ClinVar aggregate classification (germline): Likely benign. Review status: criteria provided, multiple submitters, no conflicts (2 of 4 stars). 2 submissions from 2 submitters: Likely benign (2). Last evaluated 2026-09-02.

Conditions:
Tooth agenesis, selective, 4 (STHAG4). Also called: SUCCEDANEOUS TEETH, AGENESIS OF; TOOTH AGENESIS, SELECTIVE, 4, WITH OR WITHOUT ECTODERMAL DYSPLASIA; LATERAL INCISORS, ABSENCE OF; LATERAL INCISORS, PEGGED OR MISSING. Identifiers: Orphanet 99798, MedGen C1835492, MONDO:0007881, OMIM 150400. Disease mechanism: loss of function.
Odonto-onycho-dermal dysplasia. Identifiers: Orphanet 2721, MedGen C0796093, MONDO:0009773, OMIM 257980.
WNT10A-related disorder. Also called: WNT10A-related condition; WNT10A-related disorders.

Allele frequency attached by ClinVar (database versions not stated): gnomAD exomes 0.00001; ExAC 0.00002; gnomAD 0.00016 and 0.00019; 1000 Genomes Project 0.00020; 1000 Genomes Project 30x 0.00031; TOPMed 0.00034.
gnomAD v4.1: 44 of 1,614,020 alleles (0.0027%); highest among the groups gnomAD compares: Admixed American, 0.06%; no homozygotes.

Submissions (2):

PreventionGenetics, part of Exact Sciences
Classification: Likely benign for WNT10A-related condition. Last evaluated: 2026-09-02. Review status: criteria provided, single submitter. Criteria: ACMG Guidelines, 2015. Collection method: clinical testing. Allele origin: germline.
Comment: This variant is classified as likely benign based on ACMG/AMP sequence variant interpretation guidelines (Richards et al. 2015 PMID: 25741868, with internal and published modifications).

Labcorp Genetics (formerly Invitae), Labcorp
Classification: Likely benign for Tooth agenesis, selective, 4; Odonto-onycho-dermal dysplasia. Last evaluated: 2025-11-15. Review status: criteria provided, single submitter. Criteria: Invitae Variant Classification Sherloc (09022015). Collection method: clinical testing. Allele origin: germline.

NM_025216.3(WNT10A):c.609A>G (p.Pro203=)

Gene: WNT10A (Wnt family member 10A; plus strand). Cytogenetic location: 2q35.
Variant type: single nucleotide variant.
Coding change: c.609A>G on transcript NM_025216.3 (MANE Select); coding-DNA position 609, A replaced by G.
Protein change: p.Pro203=; no amino-acid change (proline 203 retained).
Molecular consequence: synonymous variant.
Genome position (GRCh38, 1-based): chr2:218,890,216, A>G. VCF-style: chr2-218890216-A-G. GRCh37 (hg19) VCF-style: chr2-219754938-A-G.
Other names: c.609A>G (NM_025216.2).
Identifiers: ClinVar variation 1112446 (VCV001112446.10), dbSNP rs201375368, ClinGen allele CA2113981.